The following is an entry in ClinVar:

NM_000179.3(MSH6):c.925T>A (p.Ser309Thr)

Gene: MSH6 (mutS homolog 6; plus strand). Cytogenetic location: 2p16.3.
Variant type: single nucleotide variant.
Coding change: c.925T>A on transcript NM_000179.3 (MANE Select); coding-DNA position 925, T replaced by A.
Protein change: p.Ser309Thr; replaces serine 309 with threonine.
Molecular consequence: missense variant.
Genome position (GRCh38, 1-based): chr2:47,798,908, T>A. VCF-style: chr2-47798908-T-A. GRCh37 (hg19) VCF-style: chr2-48026047-T-A.
Other names: c.535T>A, p.Ser179Thr (NM_001281492.2); c.19T>A, p.Ser7Thr (NM_001281493.2, NM_001281494.2); short protein forms S309T, S7T, S179T.
Identifiers: ClinVar variation 231328 (VCV000231328.5), dbSNP rs876659095, ClinGen allele CA10578054.

ClinVar aggregate classification (germline): Uncertain significance (1 of 4 stars; one submission).

Conditions:
Hereditary cancer-predisposing syndrome. Also called: Neoplastic Syndromes, Hereditary; Tumor predisposition; Hereditary Cancer Syndrome; Hereditary neoplastic syndrome. Identifiers: Orphanet 140162, MedGen C0027672, MeSH D009386, MONDO:0015356.

Submission:

Ambry Genetics
Classification: Uncertain significance for Hereditary cancer-predisposing syndrome. Last evaluated: 2015-04-16. Review status: criteria provided, single submitter. Criteria: Ambry Variant Classification Scheme 2023. Collection method: clinical testing. Allele origin: germline.
Comment: The p.S309T variant (also known as c.925T>A), located in coding exon 4 of the MSH6 gene, results from a T to A substitution at nucleotide position 925. The serine at codon 309 is replaced by threonine, an amino acid with similar properties. This variant was not reported in population based cohorts in the following databases: Database of Single Nucleotide Polymorphisms (dbSNP), NHLBI Exome Sequencing Project (ESP), and 1000 Genomes Project. In the ESP, this variant was not observed in 6503 samples (13006 alleles) with coverage at this position. To date, this alteration has been detected with an allele frequency of approximately 0.002% (greater than 65000 alleles tested) in our clinical cohort. This amino acid position is not well conserved in available vertebrate species. In addition, this alteration is predicted to be tolerated by in silico analysis. Since supporting evidence is limited at this time, the clinical significance of p.S309T remains unclear.